The following is an entry in ClinVar:

ClinVar aggregate classification (germline): Uncertain significance. Review status: criteria provided, multiple submitters, no conflicts (2 of 4 stars). 2 submissions from 2 submitters: Uncertain significance (2). Last evaluated 2025-03-27.

Conditions:
Inborn genetic diseases. Identifiers: MedGen C0950123, MeSH D030342.
Symmetrical dyschromatosis of extremities (DSH). Also called: DYSCHROMATOSIS SYMMETRICA HEREDITARIA 1; RETICULATE ACROPIGMENTATION OF DOHI; SYMMETRIC DYSCHROMATOSIS OF THE EXTREMITIES; Dyschromatosis symmetrica hereditaria. Identifiers: Orphanet 41, MedGen C0406775, MONDO:0007483, OMIM 127400.
Aicardi-Goutieres syndrome 6 (AGS6). Identifiers: Orphanet 51, MedGen C3539013, MONDO:0014007, OMIM 615010.

Allele frequency attached by ClinVar (database versions not stated): ExAC 0.00001; TOPMed 0.00002.
gnomAD v4.1: 5 of 1,614,174 alleles (0.00031%); highest among the groups gnomAD compares: East Asian, 0.0089%; no homozygotes.

Submissions (2):

Ambry Genetics
Classification: Uncertain significance for Inborn genetic diseases. Last evaluated: 2025-03-27. Review status: criteria provided, single submitter. Criteria: Ambry Variant Classification Scheme 2023. Collection method: clinical testing. Allele origin: germline.

Labcorp Genetics (formerly Invitae), Labcorp
Classification: Uncertain significance for Aicardi-Goutieres syndrome 6; Symmetrical dyschromatosis of extremities. Last evaluated: 2023-06-25. Review status: criteria provided, single submitter. Criteria: Invitae Variant Classification Sherloc (09022015). Collection method: clinical testing. Allele origin: germline.
Comment: This sequence change replaces leucine, which is neutral and non-polar, with phenylalanine, which is neutral and non-polar, at codon 390 of the ADAR protein (p.Leu390Phe). This variant is present in population databases (rs759076636, gnomAD 0.02%). This variant has not been reported in the literature in individuals affected with ADAR-related conditions. Advanced modeling of protein sequence and biophysical properties (such as structural, functional, and spatial information, amino acid conservation, physicochemical variation, residue mobility, and thermodynamic stability) performed at Invitae indicates that this missense variant is not expected to disrupt ADAR protein function. In summary, the available evidence is currently insufficient to determine the role of this variant in disease. Therefore, it has been classified as a Variant of Uncertain Significance.

NM_001111.5(ADAR):c.1168C>T (p.Leu390Phe)

Gene: ADAR (adenosine deaminase RNA specific; minus strand). Cytogenetic location: 1q21.3.
Variant type: single nucleotide variant.
Coding change: c.1168C>T on transcript NM_001111.5 (MANE Select); coding-DNA position 1168, C replaced by T.
Protein change: p.Leu390Phe; replaces leucine 390 with phenylalanine.
Molecular consequence: missense variant.
Genome position (GRCh38, 1-based): chr1:154,601,474, G>A on the plus strand (C>T on the coding strand, the complement: ADAR is on the minus strand). VCF-style: chr1-154601474-G-A. GRCh37 (hg19) VCF-style: chr1-154573950-G-A.
Other names: c.283C>T, p.Leu95Phe (NM_001025107.3, NM_001193495.2, NM_001365046.1 and 3 more transcripts); c.1195C>T, p.Leu399Phe (NM_001365045.1); c.1168C>T, p.Leu390Phe (NM_015840.4, NM_015841.4); c.1168C>T (NM_001111.4); short protein forms L95F, L399F, L390F.
Identifiers: ClinVar variation 2933195 (VCV002933195.4), dbSNP rs759076636, ClinGen allele CA1131576.